The following is an entry in ClinVar:

ClinVar aggregate classification (germline): Uncertain significance. Review status: criteria provided, multiple submitters, no conflicts (2 of 4 stars). 3 submissions from 3 submitters: Uncertain significance (3). Last evaluated 2025-06-20.

Conditions:
Inborn genetic diseases. Identifiers: MedGen C0950123, MeSH D030342.
Joubert syndrome. Also called: CEREBELLOPARENCHYMAL DISORDER IV; JOUBERT-BOLTSHAUSER SYNDROME; Familial aplasia of the vermis. Identifiers: Orphanet 475, MedGen C5979921, MONDO:0018772.
Nephronophthisis. Also called: Juvenile Nephronophthisis. Identifiers: Orphanet 655, MedGen C0687120, MONDO:0019005, HP:0000090.
Meckel-Gruber syndrome. Also called: DYSENCEPHALIA SPLANCHNOCYSTICA; GRUBER SYNDROME; Dysencephalia splachnocystica. Identifiers: Orphanet 564, MedGen C0265215, MONDO:0018921.
Joubert syndrome 5 (JBTS5). Identifiers: Orphanet 2318, MedGen C1857780, MONDO:0012432, OMIM 610188.
Senior-Loken syndrome 6 (SLSN6). Identifiers: Orphanet 3156, MedGen C1857779, MONDO:0012433, OMIM 610189.
Bardet-Biedl syndrome 14 (BBS14). Identifiers: Orphanet 110, MedGen C2673874, MONDO:0014442, OMIM 615991.
Leber congenital amaurosis 10 (LCA10). Identifiers: Orphanet 65, MedGen C1857821, MONDO:0012723, OMIM 611755.
Meckel syndrome, type 4 (MKS4). Also called: MECKEL-GRUBER SYNDROME, TYPE 4. Identifiers: Orphanet 564, MedGen C1970161, MONDO:0012626, OMIM 611134.

Allele frequency attached by ClinVar (database versions not stated): gnomAD exomes below 0.00001.
gnomAD v4.1: 4 of 1,467,316 alleles (0.00027%); highest among the groups gnomAD compares: Non-Finnish European, 0.00036%; no homozygotes.

Submissions (3):

Labcorp Genetics (formerly Invitae), Labcorp
Classification: Uncertain significance for Joubert syndrome; Meckel-Gruber syndrome; Nephronophthisis. Last evaluated: 2025-06-20. Review status: criteria provided, single submitter. Criteria: Invitae Variant Classification Sherloc (09022015). Collection method: clinical testing. Allele origin: germline.
Comment: This sequence change replaces leucine, which is neutral and non-polar, with isoleucine, which is neutral and non-polar, at codon 243 of the CEP290 protein (p.Leu243Ile). This variant is not present in population databases (gnomAD no frequency). This variant has not been reported in the literature in individuals affected with CEP290-related conditions. ClinVar contains an entry for this variant (Variation ID: 2138611). Invitae Evidence Modeling of protein sequence and biophysical properties (such as structural, functional, and spatial information, amino acid conservation, physicochemical variation, residue mobility, and thermodynamic stability) indicates that this missense variant is expected to disrupt CEP290 protein function with a positive predictive value of 80%. In summary, the available evidence is currently insufficient to determine the role of this variant in disease. Therefore, it has been classified as a Variant of Uncertain Significance.

Fulgent Genetics
Classification: Uncertain significance for Joubert syndrome 5; Senior-Loken syndrome 6; Meckel syndrome, type 4; Leber congenital amaurosis 10; Bardet-Biedl syndrome 14. Last evaluated: 2024-05-14. Review status: criteria provided, single submitter. Criteria: ACMG Guidelines, 2015. Collection method: clinical testing. Allele origin: germline.

Ambry Genetics
Classification: Uncertain significance for Inborn genetic diseases. Last evaluated: 2023-03-31. Review status: criteria provided, single submitter. Criteria: Ambry Variant Classification Scheme 2023. Collection method: clinical testing. Allele origin: germline.

NM_025114.4(CEP290):c.727T>A (p.Leu243Ile)

Gene: CEP290 (centrosomal protein 290; minus strand). Cytogenetic location: 12q21.32.
Variant type: single nucleotide variant.
Coding change: c.727T>A on transcript NM_025114.4 (MANE Select); coding-DNA position 727, T replaced by A.
Protein change: p.Leu243Ile; replaces leucine 243 with isoleucine.
Molecular consequence: missense variant.
Genome position (GRCh38, 1-based): chr12:88,129,819, A>T on the plus strand (T>A on the coding strand, the complement: CEP290 is on the minus strand). VCF-style: chr12-88129819-A-T. GRCh37 (hg19) VCF-style: chr12-88523596-A-T.
Other names: c.727T>A (NM_025114.3); short protein forms L243I.
Identifiers: ClinVar variation 2138611 (VCV002138611.5), dbSNP rs2501474107, ClinGen allele CA385985625.